The following is an entry in ClinVar:

ClinVar aggregate classification (germline): Uncertain significance. Review status: criteria provided, multiple submitters, no conflicts (2 of 4 stars). 7 submissions from 7 submitters: Uncertain significance (6). 1 of the submissions does not count toward it. Last evaluated 2024-10-30.

Conditions:
Retinal dystrophy. Also called: Inherited retinal dystrophy. Identifiers: Orphanet 71862, MedGen C0854723, MeSH D058499, MONDO:0019118, HP:0000556.
Retinitis pigmentosa (RP). Identifiers: Orphanet 791, MedGen C0035334, MeSH D012174, MONDO:0019200, OMIM 268000. Inheritance: Autosomal dominant, autosomal recessive and X linked inheritance.
Inborn genetic diseases. Identifiers: MedGen C0950123, MeSH D030342.

Allele frequency attached by ClinVar (database versions not stated): ExAC 0.00006; ESP Exome Variant Server 0.00008; gnomAD exomes 0.00008 and 0.00013; TOPMed 0.00010; gnomAD 0.00011 and 0.00012.
gnomAD v4.1: 198 of 1,613,960 alleles (0.012%); highest among the groups gnomAD compares: Non-Finnish European, 0.016%; no homozygotes.

Submissions (7):

Blueprint Genetics
Classification: Uncertain significance. Last evaluated: 2024-10-30. Review status: criteria provided, single submitter. Criteria: ACMG Guidelines, 2015. Collection method: clinical testing. Allele origin: germline.

Ambry Genetics
Classification: Uncertain significance for Inborn genetic diseases. Last evaluated: 2024-01-02. Review status: criteria provided, single submitter. Criteria: Ambry Variant Classification Scheme 2023. Collection method: clinical testing. Allele origin: germline.

Labcorp Genetics (formerly Invitae), Labcorp
Classification: Uncertain significance. Last evaluated: 2022-10-05. Review status: criteria provided, single submitter. Criteria: Invitae Variant Classification Sherloc (09022015). Collection method: clinical testing. Allele origin: germline.
Comment: This sequence change replaces serine, which is neutral and polar, with threonine, which is neutral and polar, at codon 1205 of the RBP3 protein (p.Ser1205Thr). This variant is present in population databases (rs146153708, gnomAD 0.01%). This variant has not been reported in the literature in individuals affected with RBP3-related conditions. ClinVar contains an entry for this variant (Variation ID: 235809). Algorithms developed to predict the effect of missense changes on protein structure and function are either unavailable or do not agree on the potential impact of this missense change (SIFT: "Deleterious"; PolyPhen-2: "Benign"; Align-GVGD: "Class C0"). In summary, the available evidence is currently insufficient to determine the role of this variant in disease. Therefore, it has been classified as a Variant of Uncertain Significance.

Illumina Laboratory Services, Illumina
Classification: Uncertain significance for Retinitis pigmentosa. Last evaluated: 2018-01-13. Review status: criteria provided, single submitter. Criteria: ICSL Variant Classification Criteria 13 December 2019. Collection method: clinical testing. Allele origin: germline.

Center for Pediatric Genomic Medicine, Children's Mercy Hospital and Clinics
Classification: Uncertain significance. Last evaluated: 2015-12-21. Review status: criteria provided, single submitter. Criteria: ACMG Guidelines, 2015. Collection method: clinical testing. Allele origin: germline.
ClinVar note: Converted during submission from Uncertain Significance to Uncertain significance.

Breakthrough Genomics
Classification: Uncertain significance. Review status: criteria provided, single submitter. Criteria: ACMG Guidelines, 2015. Collection method: not provided. Allele origin: germline. Inheritance: Autosomal recessive inheritance. Affected: yes.

Institute of Human Genetics, Univ. Regensburg, Univ. Regensburg
Classification: Uncertain significance for Retinal dystrophy. Last evaluated: 2023-01-01. Review status: no assertion criteria provided. Criteria: ACMG Guidelines, 2015. Collection method: clinical testing. Allele origin: germline. Affected: yes. Not counted in ClinVar's aggregate classification.

NM_002900.3(RBP3):c.3613T>A (p.Ser1205Thr)

Gene: RBP3 (retinol binding protein 3; plus strand). Cytogenetic location: 10q11.22.
Variant type: single nucleotide variant.
Coding change: c.3613T>A on transcript NM_002900.3 (MANE Select); coding-DNA position 3613, T replaced by A.
Protein change: p.Ser1205Thr; replaces serine 1205 with threonine.
Molecular consequence: missense variant.
Genome position (GRCh38, 1-based): chr10:47,357,326, T>A. VCF-style: chr10-47357326-T-A. GRCh37 (hg19) VCF-style: chr10-48382036-A-T.
Other names: short protein forms S1205T.
Identifiers: ClinVar variation 235809 (VCV000235809.16), dbSNP rs146153708, ClinGen allele CA5487005.